The following is an entry in ClinVar:

ClinVar aggregate classification (germline): Uncertain significance. Review status: criteria provided, multiple submitters, no conflicts (2 of 4 stars). 3 submissions from 3 submitters: Uncertain significance (3). Last evaluated 2026-03-01.

Conditions:
Familial thoracic aortic aneurysm and aortic dissection (TAAD). Also called: Thoracic aortic aneurysms and dissections. Identifiers: Orphanet 91387, MedGen C4707243, MONDO:0019625.
Shprintzen-Goldberg syndrome (SGS). Also called: Marfanoid disorder with craniosynostosis type 1; Marfanoid craniosynostosis syndrome; Shprintzen-Goldberg marfanoid syndrome; SHPRINTZEN-GOLDBERG CRANIOSYNOSTOSIS SYNDROME; CRANIOSYNOSTOSIS WITH ARACHNODACTYLY AND ABDOMINAL HERNIAS. Identifiers: Orphanet 2462, MedGen C1321551, MONDO:0008426, OMIM 182212.

Allele frequency attached by ClinVar (database versions not stated): ExAC 0.00001; gnomAD 0.00001; gnomAD exomes 0.00002 and 0.00005; TOPMed 0.00002; ESP Exome Variant Server 0.00008.
gnomAD v4.1: 78 of 1,612,444 alleles (0.0048%); highest among the groups gnomAD compares: Non-Finnish European, 0.0065%; no homozygotes.

Submissions (3):

CeGaT Center for Human Genetics Tuebingen
Classification: Uncertain significance. Last evaluated: 2026-03-01. Review status: criteria provided, single submitter. Criteria: CeGaT Center For Human Genetics Tuebingen Variant Classification Criteria Version 2. Collection method: clinical testing. Allele origin: germline. Affected: yes. Observed: 1 variant allele.

Labcorp Genetics (formerly Invitae), Labcorp
Classification: Uncertain significance for Shprintzen-Goldberg syndrome. Last evaluated: 2025-09-04. Review status: criteria provided, single submitter. Criteria: Invitae Variant Classification Sherloc (09022015). Collection method: clinical testing. Allele origin: germline.
Comment: This sequence change replaces alanine, which is neutral and non-polar, with threonine, which is neutral and polar, at codon 473 of the SKI protein (p.Ala473Thr). This variant is present in population databases (rs371772366, gnomAD 0.004%). This variant has not been reported in the literature in individuals affected with SKI-related conditions. ClinVar contains an entry for this variant (Variation ID: 651103). Invitae Evidence Modeling of protein sequence and biophysical properties (such as structural, functional, and spatial information, amino acid conservation, physicochemical variation, residue mobility, and thermodynamic stability) indicates that this missense variant is not expected to disrupt SKI protein function with a negative predictive value of 95%. In summary, the available evidence is currently insufficient to determine the role of this variant in disease. Therefore, it has been classified as a Variant of Uncertain Significance.

Ambry Genetics
Classification: Uncertain significance for Familial thoracic aortic aneurysm and aortic dissection. Last evaluated: 2025-05-26. Review status: criteria provided, single submitter. Criteria: Ambry Variant Classification Scheme 2023. Collection method: clinical testing. Allele origin: germline.
Comment: The p.A473T variant (also known as c.1417G>A), located in coding exon 4 of the SKI gene, results from a G to A substitution at nucleotide position 1417. The alanine at codon 473 is replaced by threonine, an amino acid with similar properties. This amino acid position is conserved. In addition, this alteration is predicted to be tolerated by in silico analysis. Since supporting evidence is limited at this time, the clinical significance of this alteration remains unclear.

NM_003036.4(SKI):c.1417G>A (p.Ala473Thr)

Gene: SKI (SKI proto-oncogene; plus strand). Cytogenetic location: 1p36.32.
Variant type: single nucleotide variant.
Coding change: c.1417G>A on transcript NM_003036.4 (MANE Select); coding-DNA position 1417, G replaced by A.
Protein change: p.Ala473Thr; replaces alanine 473 with threonine.
Molecular consequence: missense variant.
Genome position (GRCh38, 1-based): chr1:2,304,045, G>A. VCF-style: chr1-2304045-G-A. GRCh37 (hg19) VCF-style: chr1-2235484-G-A.
Other names: short protein forms A473T.
Identifiers: ClinVar variation 651103 (VCV000651103.19), dbSNP rs371772366, ClinGen allele CA536705.
Genomic context (GRCh38, chr1:2,304,045, plus strand): 5'-CGGAAGCGGAAGCTGACTGTGGACACCCCAGGAGCCCCAGAGACGCTGGCGCCCGTGGCT[G>A]CCCCAGAGGAGGACAAGGACTCGGAGGCGGAGGTGGAAGTTGAAAGCAGGGAGGAATGTA-3'
Protein context (NP_003027.1, residues 463-483): GAPETLAPVA[Ala473Thr]PEEDKDSEAE